The following is an entry in ClinVar:

NM_000179.3(MSH6):c.1191T>A (p.Tyr397Ter)

Gene: MSH6 (mutS homolog 6; plus strand). Cytogenetic location: 2p16.3.
Variant type: single nucleotide variant.
Coding change: c.1191T>A on transcript NM_000179.3 (MANE Select); coding-DNA position 1191, T replaced by A.
Protein change: p.Tyr397Ter; replaces tyrosine 397 with a stop codon.
Molecular consequence: nonsense.
Genome position (GRCh38, 1-based): chr2:47,799,174, T>A. VCF-style: chr2-47799174-T-A. GRCh37 (hg19) VCF-style: chr2-48026313-T-A.
Other names: c.801T>A, p.Tyr267Ter (NM_001281492.2); c.285T>A, p.Tyr95Ter (NM_001281493.2, NM_001281494.2, NM_001406811.1 and 6 more transcripts); c.1287T>A, p.Tyr429Ter (NM_001406795.1, NM_001406802.1); c.1191T>A, p.Tyr397Ter (NM_001406796.1, NM_001406798.1, NM_001406800.1 and 4 more transcripts); c.894T>A, p.Tyr298Ter (NM_001406797.1, NM_001406801.1, NM_001406805.1 and 10 more transcripts); c.666T>A, p.Tyr222Ter (NM_001406799.1, NM_001406806.1, NM_001406807.1); c.1113T>A, p.Tyr371Ter (NM_001406804.1); c.1197T>A, p.Tyr399Ter (NM_001406813.1); and 1 more; short protein forms Y267*, Y341*, Y397*, Y298*, Y399*, Y222*, Y371*, Y429*.
Identifiers: ClinVar variation 1745120 (VCV001745120.3), dbSNP rs786201269, ClinGen allele CA346743354.
Genomic context (GRCh38, chr2:47,799,174, plus strand): 5'-GAGAAGAGATGAGCACAGGAGGAGGCCTGATCACCCCGATTTTGATGCATCTACACTCTA[T>A]GTGCCTGAGGATTTCCTCAATTCTTGTACTCCTGGGATGAGGAAGTGGTGGCAGATTAAG-3'

ClinVar aggregate classification (germline): Pathogenic. Review status: criteria provided, multiple submitters, no conflicts (2 of 4 stars). 2 submissions from 2 submitters: Pathogenic (2). Last evaluated 2023-08-11.

Conditions:
Hereditary cancer-predisposing syndrome. Also called: Hereditary Cancer Syndrome; Neoplastic Syndromes, Hereditary; Tumor predisposition; Hereditary neoplastic syndrome. Identifiers: Orphanet 140162, MedGen C0027672, MeSH D009386, MONDO:0015356.
Lynch syndrome 5 (LYNCH5). Also called: Colorectal cancer, hereditary nonpolyposis, type 5; Hereditary non-polyposis colorectal cancer, type 5. Identifiers: Orphanet 144, MedGen C1833477, MONDO:0013710, OMIM 614350. Disease mechanism: loss of function.

Submissions (2):

Myriad Genetics, Inc.
Classification: Pathogenic for Lynch syndrome 5. Last evaluated: 2023-08-11. Review status: criteria provided, single submitter. Criteria: Myriad Autosomal Dominant, Autosomal Recessive and X-Linked Classification Criteria (2023). Collection method: clinical testing. Allele origin: unknown.
Comment: This variant is considered pathogenic. This variant creates a termination codon and is predicted to result in premature protein truncation.

Ambry Genetics
Classification: Pathogenic for Hereditary cancer-predisposing syndrome. Last evaluated: 2020-02-05. Review status: criteria provided, single submitter. Criteria: Ambry Variant Classification Scheme 2023. Collection method: clinical testing. Allele origin: germline.
Comment: The p.Y397* pathogenic mutation (also known as c.1191T>A), located in coding exon 4 of the MSH6 gene, results from a T to A substitution at nucleotide position 1191. This changes the amino acid from a tyrosine to a stop codon within coding exon 4. This alteration is expected to result in loss of function by premature protein truncation or nonsense-mediated mRNA decay. As such, this alteration is interpreted as a disease-causing mutation.